The following is an entry in ClinVar:

ClinVar aggregate classification (germline): no classifications from unflagged records (0 of 4 stars; one submission).

Submission:

ISCA site 1
Classification: Likely benign. Last evaluated: 2018-02-09. Review status: flagged submission. Collection method: clinical testing. Allele origin: unknown. Affected: yes. Observed: 1 variant allele.
Comment: Copy number variation identified through the course of routine clinical cytogenomic testing in postnatal populations, with clinical assertions as classified by the original submitter. For data from the original published study, Kaminsky, et al. 2011 (PubMed 21844811), please see nstd101.
ClinVar note: Notes: This submission was flagged because its interpretation of this variant conflicts with the ClinGen Gene Dosage Map curation for the gene STS.
ClinVar note: Reason: Conflict with ClinGen Gene Dosage Map

GRCh38/hg38 Xp22.31(chrX:6534648-8147112)x1

Genes: MIR4767 (microRNA 4767; plus strand), MIR651 (microRNA 651; plus strand), PNPLA4 (patatin like domain 4, phospholipase and triacylglycerol lipase; minus strand), PUDP (pseudouridine 5'-phosphatase; minus strand), STS (steroid sulfatase; plus strand) and 23 more. Cytogenetic location: Xp22.31.
Variant type: copy number loss.
Change: copy number 1 of chrX:6,534,648-8,147,112 (1.61 Mb, GRCh38 coordinates, 1-based), cytogenetic band Xp22.31.
Identifiers: ClinVar variation 148925 (VCV000148925.3).